The following is an entry in ClinVar:

ClinVar aggregate classification (germline): Pathogenic (1 of 4 stars; one submission).

Conditions:
Nephronophthisis 18 (NPHP18). Identifiers: Orphanet 655, MedGen C3890591, MONDO:0014374, OMIM 615862.

Submission:

Labcorp Genetics (formerly Invitae), Labcorp
Classification: Pathogenic for Nephronophthisis 18. Last evaluated: 2023-09-15. Review status: criteria provided, single submitter. Criteria: Invitae Variant Classification Sherloc (09022015). Collection method: clinical testing. Allele origin: germline.
Comment: This variant has not been reported in the literature in individuals affected with CEP83-related conditions. For these reasons, this variant has been classified as Pathogenic. This variant is not present in population databases (gnomAD no frequency). This sequence change creates a premature translational stop signal (p.Lys577*) in the CEP83 gene. It is expected to result in an absent or disrupted protein product. Loss-of-function variants in CEP83 are known to be pathogenic (PMID: 23530209, 24882706).

Literature cited by the submitters: PubMed 23530209; PubMed 24882706.

NM_016122.3(CEP83):c.1729A>T (p.Lys577Ter)

Gene: CEP83 (centrosomal protein 83; minus strand). Cytogenetic location: 12q22.
Variant type: single nucleotide variant.
Coding change: c.1729A>T on transcript NM_016122.3 (MANE Select); coding-DNA position 1729, A replaced by T.
Protein change: p.Lys577Ter; replaces lysine 577 with a stop codon.
Molecular consequence: nonsense. On other transcripts: non-coding transcript variant (2).
Genome position (GRCh38, 1-based): chr12:94,312,996, T>A on the plus strand (A>T on the coding strand, the complement: CEP83 is on the minus strand). VCF-style: chr12-94312996-T-A. GRCh37 (hg19) VCF-style: chr12-94706772-T-A.
Other names: c.1729A>T, p.Lys577Ter (NM_001042399.2, NM_001346457.2, NM_001368037.1 and 1 more transcripts); c.1417A>T, p.Lys473Ter (NM_001346458.2, NM_001346459.2, NM_001368039.1 and 1 more transcripts); c.1504A>T, p.Lys502Ter (NM_001368041.1); short protein forms K577*, K473*, K502*.
Identifiers: ClinVar variation 2756615 (VCV002756615.3), dbSNP rs2541088599, ClinGen allele CA386047393.